The following is an entry in ClinVar:

NM_173728.4(ARHGEF15):c.1813A>G (p.Met605Val)

Gene: ARHGEF15 (Rho guanine nucleotide exchange factor 15; plus strand). Cytogenetic location: 17p13.1.
Variant type: single nucleotide variant.
Coding change: c.1813A>G on transcript NM_173728.4 (MANE Select); coding-DNA position 1813, A replaced by G.
Protein change: p.Met605Val; replaces methionine 605 with valine.
Molecular consequence: missense variant.
Genome position (GRCh38, 1-based): chr17:8,318,603, A>G. VCF-style: chr17-8318603-A-G. GRCh37 (hg19) VCF-style: chr17-8221921-A-G.
Other names: c.1813A>G, p.Met605Val (NM_025014.2); short protein forms M605V.
Identifiers: ClinVar variation 2838492 (VCV002838492.3), dbSNP rs1394510179, ClinGen allele CA398023030.
Genomic context (GRCh38, chr17:8,318,603, plus strand): 5'-GGTGGTGACACAGCTCCCCTTACCTAGATCATCGAGCGTTGCAGCGCTGAGGTGGGGCGC[A>G]TGAAGCAGACTGAAGAGCTGATCCGGCTCACCCAAAGGCTGCGCTTCCACAAAGTCAAGG-3'
Protein context (NP_776089.2, residues 595-615): IERCSAEVGR[Met605Val]KQTEELIRLT

ClinVar aggregate classification (germline): Uncertain significance (1 of 4 stars; one submission).

Conditions:
Early-infantile DEE. Also called: Early infantile epileptic encephalopathy; Early infantile epileptic encephalopathy with suppression bursts; Ohtahara syndrome. Identifiers: Orphanet 1934, MedGen C0393706, MONDO:0800491.

gnomAD v4.1: 2 of 1,613,904 alleles (0.00012%); highest among the groups gnomAD compares: Non-Finnish European, 0.00017%; no homozygotes.

Submission:

Labcorp Genetics (formerly Invitae), Labcorp
Classification: Uncertain significance for Early-infantile DEE. Last evaluated: 2023-08-31. Review status: criteria provided, single submitter. Criteria: Invitae Variant Classification Sherloc (09022015). Collection method: clinical testing. Allele origin: germline.
Comment: This variant is not present in population databases (gnomAD no frequency). This sequence change replaces methionine, which is neutral and non-polar, with valine, which is neutral and non-polar, at codon 605 of the ARHGEF15 protein (p.Met605Val). In summary, the available evidence is currently insufficient to determine the role of this variant in disease. Therefore, it has been classified as a Variant of Uncertain Significance. An algorithm developed to predict the effect of missense changes on protein structure and function (PolyPhen-2) suggests that this variant is likely to be disruptive. This variant has not been reported in the literature in individuals affected with ARHGEF15-related conditions.